The following is an entry in ClinVar:

ClinVar aggregate classification (germline): Likely benign. Review status: criteria provided, multiple submitters, no conflicts (2 of 4 stars). 3 submissions from 3 submitters: Likely benign (3). Last evaluated 2026-04-24.

Conditions:
CDH23-related disorder. Also called: CDH23-related disorders; CDH23-related condition.

Allele frequency attached by ClinVar (database versions not stated): gnomAD 0.00001 and 0.00002; gnomAD exomes 0.00002 and 0.00003; ExAC 0.00003; TOPMed 0.00003.
gnomAD v4.1: 35 of 1,612,064 alleles (0.0022%); highest among the groups gnomAD compares: Admixed American, 0.005%; no homozygotes.

Submissions (3):

PreventionGenetics, part of Exact Sciences
Classification: Likely benign for CDH23-related condition. Last evaluated: 2026-04-24. Review status: criteria provided, single submitter. Criteria: ACMG Guidelines, 2015. Collection method: clinical testing. Allele origin: germline.
Comment: This variant is classified as likely benign based on ACMG/AMP sequence variant interpretation guidelines (Richards et al. 2015 PMID: 25741868, with internal and published modifications).

Labcorp Genetics (formerly Invitae), Labcorp
Classification: Likely benign. Last evaluated: 2024-11-05. Review status: criteria provided, single submitter. Criteria: Invitae Variant Classification Sherloc (09022015). Collection method: clinical testing. Allele origin: germline.

Blueprint Genetics
Classification: Likely benign. Last evaluated: 2024-02-29. Review status: criteria provided, single submitter. Criteria: ACMG Guidelines, 2015. Collection method: clinical testing. Allele origin: germline.

NM_022124.6(CDH23):c.8733C>T (p.Asp2911=)

Gene: CDH23 (cadherin related 23; plus strand). Cytogenetic location: 10q22.1.
Variant type: single nucleotide variant.
Coding change: c.8733C>T on transcript NM_022124.6 (MANE Select); coding-DNA position 8733, C replaced by T.
Protein change: p.Asp2911=; no amino-acid change (aspartic acid 2911 retained).
Molecular consequence: synonymous variant.
Genome position (GRCh38, 1-based): chr10:71,809,830, C>T. VCF-style: chr10-71809830-C-T. GRCh37 (hg19) VCF-style: chr10-73569587-C-T.
Other names: c.2013C>T, p.Asp671= (NM_001171933.1, NM_001171934.1); c.8733C>T (NM_022124.5).
Identifiers: ClinVar variation 1090884 (VCV001090884.11), dbSNP rs781649648, ClinGen allele CA5546737.
Genomic context (GRCh38, chr10:71,809,830, plus strand): 5'-TTCGGGGCACTGAGTCTCTGAGCCGTACCCCGCCTTTGGGCTTCCTGCAGGGAGCATGGA[C>T]GGCATTCTGCGCACCTTCGACCTCTTCATGGCCTACAGCCCCGGCTACTTCGTGGTGGAC-3'
Protein context (NP_071407.4, residues 2901-2921): VGQVFTMGSM[Asp2911=]GILRTFDLFM